The following is an entry in ClinVar:

NM_003079.5(SMARCE1):c.779T>G (p.Leu260Arg)

Gene: SMARCE1 (SWI/SNF related BAF chromatin remodeling complex subunit E1; minus strand). Cytogenetic location: 17q21.2.
Variant type: single nucleotide variant.
Coding change: c.779T>G on transcript NM_003079.5 (MANE Select); coding-DNA position 779, T replaced by G.
Protein change: p.Leu260Arg; replaces leucine 260 with arginine.
Molecular consequence: missense variant.
Genome position (GRCh38, 1-based): chr17:40,631,629, A>C on the plus strand (T>G on the coding strand, the complement: SMARCE1 is on the minus strand). VCF-style: chr17-40631629-A-C. GRCh37 (hg19) VCF-style: chr17-38787881-A-C.
Other names: short protein forms L260R.
Identifiers: ClinVar variation 4170316 (VCV004170316.1).

ClinVar aggregate classification (germline): Uncertain significance (1 of 4 stars; one submission).

Conditions:
Hereditary cancer-predisposing syndrome. Also called: Neoplastic Syndromes, Hereditary; Tumor predisposition; Hereditary Cancer Syndrome; Hereditary neoplastic syndrome. Identifiers: Orphanet 140162, MedGen C0027672, MeSH D009386, MONDO:0015356.

Submission:

Ambry Genetics
Classification: Uncertain significance for Hereditary cancer-predisposing syndrome. Last evaluated: 2025-06-28. Review status: criteria provided, single submitter. Criteria: Ambry Variant Classification Scheme 2023. Collection method: clinical testing. Allele origin: germline.
Comment: The p.L260R variant (also known as c.779T>G), located in coding exon 8 of the SMARCE1 gene, results from a T to G substitution at nucleotide position 779. The leucine at codon 260 is replaced by arginine, an amino acid with dissimilar properties. This amino acid position is conserved. In addition, the in silico prediction for this alteration is inconclusive. Based on the available evidence, the clinical significance of this variant remains unclear.